The following is an entry in ClinVar:

NM_053025.4(MYLK):c.4349G>A (p.Arg1450Gln)

Gene: MYLK (myosin light chain kinase; minus strand). Cytogenetic location: 3q21.1.
Variant type: single nucleotide variant.
Coding change: c.4349G>A on transcript NM_053025.4 (MANE Select); coding-DNA position 4349, G replaced by A.
Protein change: p.Arg1450Gln; replaces arginine 1450 with glutamine.
Molecular consequence: missense variant.
Genome position (GRCh38, 1-based): chr3:123,649,037, C>T on the plus strand (G>A on the coding strand, the complement: MYLK is on the minus strand). VCF-style: chr3-123649037-C-T. GRCh37 (hg19) VCF-style: chr3-123367884-C-T.
Other names: c.3821G>A, p.Arg1274Gln (NM_001321309.2); c.4142G>A, p.Arg1381Gln (NM_053026.4, NM_053028.4); c.4349G>A, p.Arg1450Gln (NM_053027.4); short protein forms R1450Q, R1274Q, R1381Q.
Identifiers: ClinVar variation 264291 (VCV000264291.55), dbSNP rs41366751, ClinGen allele CA071507.

ClinVar aggregate classification (germline): Benign/Likely benign. Review status: criteria provided, multiple submitters, no conflicts (2 of 4 stars). 12 submissions from 12 submitters: Benign (5); Likely benign (7). Last evaluated 2026-03-27.

Conditions:
Megacystis-microcolon-intestinal hypoperistalsis syndrome 1. Identifiers: MedGen C5542316, MONDO:0100354, OMIM 249210.
Aortic aneurysm, familial thoracic 7 (AAT7). Also called: AORTIC DISSECTION, FAMILIAL, WITH OR WITHOUT AORTIC ANEURYSM. Identifiers: MedGen C3151077, MONDO:0013418, OMIM 613780.
Familial thoracic aortic aneurysm and aortic dissection (TAAD). Also called: Thoracic aortic aneurysms and dissections. Identifiers: Orphanet 91387, MedGen C4707243, MONDO:0019625.

Allele frequency attached by ClinVar (database versions not stated): ExAC 0.00133; gnomAD 0.00377 and 0.00406; TOPMed 0.00404; ESP Exome Variant Server 0.00492; 1000 Genomes Project 0.00519; 1000 Genomes Project 30x 0.00531.
gnomAD v4.1: 1,257 of 1,614,162 alleles (0.078%); highest among the groups gnomAD compares: African/African-American, 1.4%; 4 homozygotes.

Submissions (12):

Molecular Diagnostic Laboratory for Inherited Cardiovascular Disease, Montreal Heart Institute
Classification: Likely benign. Last evaluated: 2026-03-27. Review status: criteria provided, single submitter. Criteria: ACMG Guidelines, 2015. Collection method: clinical testing. Allele origin: germline. Affected: no.
Comment: BS1;BP4

Labcorp Genetics (formerly Invitae), Labcorp
Classification: Benign for Aortic aneurysm, familial thoracic 7. Last evaluated: 2026-01-26. Review status: criteria provided, single submitter. Criteria: Invitae Variant Classification Sherloc (09022015). Collection method: clinical testing. Allele origin: germline.

Genomic Medicine Center of Excellence, King Faisal Specialist Hospital and Research Centre
Classification: Likely benign. Last evaluated: 2025-08-18. Review status: criteria provided, single submitter. Criteria: ACMG Guidelines, 2015. Collection method: clinical testing. Allele origin: germline.

CeGaT Center for Human Genetics Tuebingen
Classification: Likely benign. Last evaluated: 2025-07-01. Review status: criteria provided, single submitter. Criteria: CeGaT Center For Human Genetics Tuebingen Variant Classification Criteria Version 2. Collection method: clinical testing. Allele origin: germline. Affected: yes. Observed: 2 variant alleles.
Comment: MYLK: BP4, BS1

ARUP Laboratories, Molecular Genetics and Genomics, ARUP Laboratories
Classification: Benign. Last evaluated: 2024-08-19. Review status: criteria provided, single submitter. Criteria: ARUP Molecular Germline Variant Investigation Process 2024. Collection method: clinical testing. Allele origin: germline.

Fulgent Genetics
Classification: Likely benign for Megacystis-microcolon-intestinal hypoperistalsis syndrome 1; Aortic aneurysm, familial thoracic 7. Last evaluated: 2021-09-20. Review status: criteria provided, single submitter. Criteria: ACMG Guidelines, 2015. Collection method: clinical testing. Allele origin: unknown.

Women's Health and Genetics/Laboratory Corporation of America, LabCorp
Classification: Benign. Last evaluated: 2019-09-03. Review status: criteria provided, single submitter. Criteria: LabCorp Variant Classification Summary - May 2015. Collection method: clinical testing. Allele origin: germline.
Comment: Variant summary: MYLK c.4349G>A (p.Arg1450Gln) results in a conservative amino acid change in the encoded protein sequence. Three of five in-silico tools predict a benign effect of the variant on protein function. The variant allele was found at a frequency of 0.0011 in 251450 control chromosomes, predominantly at a frequency of 0.014 within the African or African-American subpopulation in the gnomAD database, including 1 homozygote. The observed variant frequency within African or African-American control individuals in the gnomAD database is approximately 560 fold of the estimated maximal expected allele frequency for a pathogenic variant in MYLK causing Aortopathy phenotype (2.5e-05), strongly suggesting that the variant is a benign polymorphism found primarily in populations of African or African-American origin. To our knowledge, no occurrence of c.4349G>A in individuals affected with Aortopathy and no experimental evidence demonstrating an impact on protein function has been reported. Five submitters have provided clinical-significance assessments for this variant to ClinVar after 2014 without evidence for independent evaluation. All laboratories classified the variant as benign (4x)/likely benign (1x). Based on the evidence outlined above, the variant was classified as benign.

Illumina Laboratory Services, Illumina
Classification: Likely benign for Aortic aneurysm, familial thoracic 7. Last evaluated: 2018-01-13. Review status: criteria provided, single submitter. Criteria: ICSL Variant Classification Criteria 13 December 2019. Collection method: clinical testing. Allele origin: germline.
Comment: This variant was observed in the ICSL laboratory as part of a predisposition screen in an ostensibly healthy population. It had not been previously curated by ICSL or reported in the Human Gene Mutation Database (HGMD: prior to June 1st, 2018), and was therefore a candidate for classification through an automated scoring system. Utilizing variant allele frequency, disease prevalence and penetrance estimates, and inheritance mode, an automated score was calculated to assess if this variant is too frequent to cause the disease. Based on the score and internal cut-off values, a variant classified as likely benign is not then subjected to further curation. The score for this variant resulted in a classification of likely benign for this disease.

CHEO Genetics Diagnostic Laboratory, Children's Hospital of Eastern Ontario
Classification: Likely benign for Familial thoracic aortic aneurysm and aortic dissection. Last evaluated: 2017-09-07. Review status: criteria provided, single submitter. Criteria: ACMG Guidelines, 2015. Collection method: clinical testing. Allele origin: germline. Study: Canadian Open Genetics Repository.

GeneDx
Classification: Benign. Last evaluated: 2016-11-04. Review status: criteria provided, single submitter. Criteria: GeneDx Variant Classification (06012015). Collection method: clinical testing. Allele origin: germline. Affected: yes.
Comment: This variant is considered likely benign or benign based on one or more of the following criteria: it is a conservative change, it occurs at a poorly conserved position in the protein, it is predicted to be benign by multiple in silico algorithms, and/or has population frequency not consistent with disease.

Ambry Genetics
Classification: Benign for Familial thoracic aortic aneurysm and aortic dissection. Last evaluated: 2015-09-09. Review status: criteria provided, single submitter. Criteria: Ambry Variant Classification Scheme 2023. Collection method: clinical testing. Allele origin: germline.

Breakthrough Genomics
Classification: Likely benign. Review status: criteria provided, single submitter. Criteria: ACMG Guidelines, 2015. Collection method: not provided. Allele origin: germline. Inheritance: Autosomal recessive inheritance. Affected: yes.

Literature cited by the submitters: PubMed 16399953 (cited by Women's Health and Genetics/Laboratory Corporation of America, LabCorp).